The following is an entry in ClinVar:

NM_006767.4(LZTR1):c.589G>A (p.Ala197Thr)

Gene: LZTR1 (leucine zipper like post translational regulator 1; plus strand). Cytogenetic location: 22q11.21.
Variant type: single nucleotide variant.
Coding change: c.589G>A on transcript NM_006767.4 (MANE Select); coding-DNA position 589, G replaced by A.
Protein change: p.Ala197Thr; replaces alanine 197 with threonine.
Molecular consequence: missense variant.
Genome position (GRCh38, 1-based): chr22:20,988,868, G>A. VCF-style: chr22-20988868-G-A. GRCh37 (hg19) VCF-style: chr22-21343157-G-A.
Other names: short protein forms A197T.
Identifiers: ClinVar variation 933188 (VCV000933188.13), dbSNP rs371522487, ClinGen allele CA10118497.

ClinVar aggregate classification (germline): Uncertain significance. Review status: criteria provided, multiple submitters, no conflicts (2 of 4 stars). 3 submissions from 3 submitters: Uncertain significance (3). Last evaluated 2024-09-20.

Conditions:
Hereditary cancer-predisposing syndrome. Also called: Neoplastic Syndromes, Hereditary; Hereditary Cancer Syndrome; Hereditary neoplastic syndrome; Tumor predisposition. Identifiers: Orphanet 140162, MedGen C0027672, MeSH D009386, MONDO:0015356.
Cardiovascular phenotype. Identifiers: MedGen CN230736.

Allele frequency attached by ClinVar (database versions not stated): gnomAD exomes below 0.00001 and 0.00001; ExAC 0.00001; gnomAD 0.00001; TOPMed 0.00001; ESP Exome Variant Server 0.00008.
gnomAD v4.1: 19 of 1,613,704 alleles (0.0012%); highest among the groups gnomAD compares: Non-Finnish European, 0.0014%; no homozygotes.

Submissions (3):

Ambry Genetics
Classification: Uncertain significance for Cardiovascular phenotype; Hereditary cancer-predisposing syndrome. Last evaluated: 2024-09-20. Review status: criteria provided, single submitter. Criteria: Ambry Variant Classification Scheme 2023. Collection method: clinical testing. Allele origin: germline.
Comment: The p.A197T variant (also known as c.589G>A), located in coding exon 6 of the LZTR1 gene, results from a G to A substitution at nucleotide position 589. The alanine at codon 197 is replaced by threonine, an amino acid with similar properties. This amino acid position is conserved. In addition, the in silico prediction for this alteration is inconclusive. Since supporting evidence is limited at this time, the clinical significance of this alteration remains unclear.

Labcorp Genetics (formerly Invitae), Labcorp
Classification: Uncertain significance. Last evaluated: 2022-08-10. Review status: criteria provided, single submitter. Criteria: Invitae Variant Classification Sherloc (09022015). Collection method: clinical testing. Allele origin: germline.
Comment: This sequence change replaces alanine, which is neutral and non-polar, with threonine, which is neutral and polar, at codon 197 of the LZTR1 protein (p.Ala197Thr). This variant is present in population databases (rs371522487, gnomAD 0.002%). This variant has not been reported in the literature in individuals affected with LZTR1-related conditions. ClinVar contains an entry for this variant (Variation ID: 933188). Algorithms developed to predict the effect of missense changes on protein structure and function are either unavailable or do not agree on the potential impact of this missense change (SIFT: "Deleterious"; PolyPhen-2: "Benign"; Align-GVGD: "Class C55"). In summary, the available evidence is currently insufficient to determine the role of this variant in disease. Therefore, it has been classified as a Variant of Uncertain Significance.

Women's Health and Genetics/Laboratory Corporation of America, LabCorp
Classification: Uncertain significance. Last evaluated: 2020-06-01. Review status: criteria provided, single submitter. Criteria: LabCorp Variant Classification Summary - May 2015. Collection method: clinical testing. Allele origin: germline.
Comment: Variant summary: LZTR1 c.589G>A (p.Ala197Thr) results in a non-conservative amino acid change in the encoded protein sequence. Three of five in-silico tools predict a damaging effect of the variant on protein function. The variant allele was found at a frequency of 4e-06 in 251054 control chromosomes (gnomAD). The available data on variant occurrences in the general population are insufficient to allow any conclusion about variant significance. To our knowledge, no occurrence of c.589G>A in individuals affected with Noonan Syndrome and Related Conditions and no experimental evidence demonstrating its impact on protein function have been reported. No clinical diagnostic laboratories have submitted clinical-significance assessments for this variant to ClinVar after 2014. Based on the evidence outlined above, the variant was classified as uncertain significance.